The following is an entry in ClinVar:

ClinVar aggregate classification (germline): Uncertain significance (1 of 4 stars; one submission).

gnomAD v4.1: 2 of 1,614,078 alleles (0.00012%); no homozygotes.

Submission:

Labcorp Genetics (formerly Invitae), Labcorp
Classification: Uncertain significance. Last evaluated: 2024-02-09. Review status: criteria provided, single submitter. Criteria: Invitae Variant Classification Sherloc (09022015). Collection method: clinical testing. Allele origin: germline.
Comment: This sequence change replaces proline, which is neutral and non-polar, with leucine, which is neutral and non-polar, at codon 795 of the AP3D1 protein (p.Pro795Leu). This variant is not present in population databases (gnomAD no frequency). This variant has not been reported in the literature in individuals affected with AP3D1-related conditions. ClinVar contains an entry for this variant (Variation ID: 1462159). An algorithm developed to predict the effect of missense changes on protein structure and function (PolyPhen-2) suggests that this variant is likely to be tolerated. In summary, the available evidence is currently insufficient to determine the role of this variant in disease. Therefore, it has been classified as a Variant of Uncertain Significance.

NM_001261826.3(AP3D1):c.2384C>T (p.Pro795Leu)

Gene: AP3D1 (adaptor related protein complex 3 subunit delta 1; minus strand). Cytogenetic location: 19p13.3.
Variant type: single nucleotide variant.
Coding change: c.2384C>T on transcript NM_001261826.3 (MANE Select); coding-DNA position 2384, C replaced by T.
Protein change: p.Pro795Leu; replaces proline 795 with leucine.
Molecular consequence: missense variant.
Genome position (GRCh38, 1-based): chr19:2,114,787, G>A on the plus strand (C>T on the coding strand, the complement: AP3D1 is on the minus strand). VCF-style: chr19-2114787-G-A. GRCh37 (hg19) VCF-style: chr19-2114786-G-A.
Other names: c.2384C>T, p.Pro795Leu (NM_001374799.1, NM_003938.8); short protein forms P795L.
Identifiers: ClinVar variation 1462159 (VCV001462159.8), dbSNP rs2145037955, ClinGen allele CA403210293.